The following is an entry in ClinVar:

NM_006846.4(SPINK5):c.3182C>T (p.Pro1061Leu)

Gene: SPINK5 (serine peptidase inhibitor Kazal type 5; plus strand). Cytogenetic location: 5q32.
Variant type: single nucleotide variant.
Coding change: c.3182C>T on transcript NM_006846.4 (MANE Select); coding-DNA position 3182, C replaced by T.
Protein change: p.Pro1061Leu; replaces proline 1061 with leucine.
Molecular consequence: missense variant.
Genome position (GRCh38, 1-based): chr5:148,133,883, C>T. VCF-style: chr5-148133883-C-T. GRCh37 (hg19) VCF-style: chr5-147513446-C-T.
Other names: c.3272C>T, p.Pro1091Leu (NM_001127698.2); short protein forms P1061L, P1091L.
Identifiers: ClinVar variation 1402918 (VCV001402918.6), dbSNP rs771163069, ClinGen allele CA3496269.

ClinVar aggregate classification (germline): Uncertain significance (1 of 4 stars; one submission).

Conditions:
Ichthyosis linearis circumflexa. Identifiers: MedGen C0265962, MONDO:0043106, HP:0025810.

Allele frequency attached by ClinVar (database versions not stated): ExAC 0.00001; gnomAD exomes 0.00001; gnomAD 0.00002.
gnomAD v4.1: 18 of 1,613,718 alleles (0.0011%); highest among the groups gnomAD compares: East Asian, 0.0022%; no homozygotes.

Submission:

Labcorp Genetics (formerly Invitae), Labcorp
Classification: Uncertain significance for Ichthyosis linearis circumflexa. Last evaluated: 2023-08-02. Review status: criteria provided, single submitter. Criteria: Invitae Variant Classification Sherloc (09022015). Collection method: clinical testing. Allele origin: germline.
Comment: In summary, the available evidence is currently insufficient to determine the role of this variant in disease. Therefore, it has been classified as a Variant of Uncertain Significance. An algorithm developed to predict the effect of missense changes on protein structure and function (PolyPhen-2) suggests that this variant¬†is likely to be tolerated. ClinVar contains an entry for this variant (Variation ID: 1402918). This variant has not been reported in the literature in individuals affected with SPINK5-related conditions. This variant is present in population databases (rs771163069, gnomAD 0.01%). This sequence change replaces proline, which is neutral and non-polar, with leucine, which is neutral and non-polar, at codon 1061 of the SPINK5 protein (p.Pro1061Leu).